The following is an entry in ClinVar:

NM_000287.4(PEX6):c.292_296dup (p.Pro100fs)

Gene: PEX6 (peroxisomal biogenesis factor 6; minus strand). Cytogenetic location: 6p21.1.
Variant type: Duplication.
Coding change: c.292_296dup on transcript NM_000287.4 (MANE Select); coding-DNA positions 292 to 296, 5 bases duplicated (CGGCG; older notation c.292_296dupCGGCG).
Protein change: p.Pro100fs; shifts the reading frame from proline 100.
Molecular consequence: frameshift variant. On other transcripts: non-coding transcript variant (1).
Genome position (GRCh38, 1-based): chr6:42,978,855-42,978,859, CGCCG duplicated on the plus strand (CGGCG on the coding strand, the reverse complement: PEX6 is on the minus strand); duplicating any 5 consecutive bases within chr6:42,978,855-42,978,860 gives the same sequence; the c. name uses the placement nearest the transcript's 3' end. VCF-style (leftmost placement, unchanged base first): chr6-42978854-C-CCGCCG. GRCh37 (hg19) VCF-style: chr6-42946592-C-CCGCCG.
Other names: c.292_296dup, p.Pro100fs (NM_001316313.2); short protein forms P100fs.
Identifiers: ClinVar variation 2677697 (VCV002677697.3), dbSNP rs2481281348, ClinGen allele CA2578620899.

ClinVar aggregate classification (germline): Pathogenic/Likely pathogenic. Review status: criteria provided, multiple submitters, no conflicts (2 of 4 stars). 2 submissions from 2 submitters: Pathogenic (1); Likely pathogenic (1). Last evaluated 2024-05-26.

Conditions:
Heimler syndrome 2 (HMLR2). Also called: PEROXISOME BIOGENESIS DISORDER 4C. Identifiers: Orphanet 3220, MedGen C4225267, OMIM 616617, MONDO:0014709.
Peroxisome biogenesis disorder. Identifiers: Orphanet 79189, MedGen C1832200, MONDO:0019234. Disease mechanism: loss of function.

Submissions (2):

Labcorp Genetics (formerly Invitae), Labcorp
Classification: Pathogenic for Peroxisome biogenesis disorder. Last evaluated: 2024-05-26. Review status: criteria provided, single submitter. Criteria: Invitae Variant Classification Sherloc (09022015). Collection method: clinical testing. Allele origin: germline.
Comment: This sequence change creates a premature translational stop signal (p.Pro100Glyfs*6) in the PEX6 gene. It is expected to result in an absent or disrupted protein product. Loss-of-function variants in PEX6 are known to be pathogenic (PMID: 10408779, 21031596, 31831025). This variant is not present in population databases (gnomAD no frequency). This variant has not been reported in the literature in individuals affected with PEX6-related conditions. For these reasons, this variant has been classified as Pathogenic.

Baylor Genetics
Classification: Likely pathogenic for Heimler syndrome 2. Last evaluated: 2023-07-23. Review status: criteria provided, single submitter. Criteria: ACMG Guidelines, 2015. Collection method: clinical testing. Allele origin: unknown.

Literature cited by the submitters: PubMed 10408779 (cited by Labcorp Genetics (formerly Invitae), Labcorp); PubMed 21031596 (cited by Labcorp Genetics (formerly Invitae), Labcorp); PubMed 31831025 (cited by Labcorp Genetics (formerly Invitae), Labcorp).